The following is an entry in ClinVar:

ClinVar aggregate classification (germline): Pathogenic (1 of 4 stars; one submission).

Conditions:
Neurofibromatosis, type 1 (NF1). Also called: VON RECKLINGHAUSEN DISEASE; Peripheral type neurofibromatosis; NEUROFIBROMATOSIS, TYPE I, SOMATIC; Neurofibromatosis, type I. Identifiers: Orphanet 636, MedGen C0027831, MONDO:0018975, OMIM 162200. Disease mechanism: loss of function.

Submission:

Labcorp Genetics (formerly Invitae), Labcorp
Classification: Pathogenic for Neurofibromatosis, type 1. Last evaluated: 2020-03-10. Review status: criteria provided, single submitter. Criteria: Invitae Variant Classification Sherloc (09022015). Collection method: clinical testing. Allele origin: germline.
Comment: Loss-of-function variants in NF1 are known to be pathogenic (PMID: 10712197, 23913538). This variant has not been reported in the literature in individuals with NF1-related conditions. This variant is not present in population databases (ExAC no frequency). This sequence change creates a premature translational stop signal (p.Val2229Leufs*15) in the NF1 gene. It is expected to result in an absent or disrupted protein product. For these reasons, this variant has been classified as Pathogenic.

Literature cited by the submitters: PubMed 10712197; PubMed 23913538.

NM_001042492.3(NF1):c.6747del (p.Val2250fs)

Gene: NF1 (neurofibromin 1; plus strand). Cytogenetic location: 17q11.2.
Variant type: Deletion.
Coding change: c.6747del on transcript NM_001042492.3 (MANE Select); coding-DNA position 6747, one base deleted (T; older notation c.6747delT).
Protein change: p.Val2250fs; shifts the reading frame from valine 2250.
Molecular consequence: frameshift variant.
Genome position (GRCh38, 1-based): chr17:31,338,067, T deleted; the last of 2 consecutive T bases (chr17:31,338,066-31,338,067); deleting either gives the same sequence. VCF-style (leftmost placement, unchanged base first): chr17-31338065-CT-C. GRCh37 (hg19) VCF-style: chr17-29665083-CT-C.
Other names: c.6684delT, p.Val2229Leufs (NM_000267.4); short protein forms V2229fs, V2250fs.
Identifiers: ClinVar variation 1071916 (VCV001071916.5), dbSNP rs2151558160, ClinGen allele CA2499224201.